The following is an entry in ClinVar:

NM_005159.5(ACTC1):c.808+4A>G

Genes: ACTC1 (actin alpha cardiac muscle 1; minus strand), GJD2-DT (GJD2 divergent transcript; plus strand). Cytogenetic location: 15q14.
Variant type: single nucleotide variant.
Coding change: c.808+4A>G on transcript NM_005159.5 (MANE Select); 4 bases into the intron after coding-DNA position 808, A replaced by G.
Molecular consequence: intron variant.
Genome position (GRCh38, 1-based): chr15:34,792,086, T>C on the plus strand (A>G on the coding strand, the complement: ACTC1 is on the minus strand). VCF-style: chr15-34792086-T-C. GRCh37 (hg19) VCF-style: chr15-35084287-T-C.
Other names: c.808+4A>G (NM_001406483.1, NM_001406482.1); c.367+4A>G (NM_001406485.1); c.673+4A>G (NM_001406484.1).
Identifiers: ClinVar variation 3224603 (VCV003224603.2), dbSNP rs1891716802, ClinGen allele CA2169207437.

ClinVar aggregate classification (germline): Uncertain significance. Review status: criteria provided, multiple submitters, no conflicts (2 of 4 stars). 2 submissions from 2 submitters: Uncertain significance (2). Last evaluated 2025-07-15.

Conditions:
Cardiomyopathy (CMYO). Also called: Cardiomyopathies. Identifiers: Orphanet 167848, MedGen C0878544, MONDO:0004994, HP:0001638. Inheritance: Various modes of inheritance.
Cardiovascular phenotype. Identifiers: MedGen CN230736.

Allele frequency attached by ClinVar (database versions not stated): TOPMed below 0.00001.

Submissions (2):

Color Diagnostics, LLC DBA Color Health
Classification: Uncertain significance for Cardiomyopathy. Last evaluated: 2025-07-15. Review status: criteria provided, single submitter. Criteria: ACMG Guidelines, 2015. Collection method: clinical testing. Allele origin: germline.
Comment: This variant causes an A to G nucleotide substitution at the +4 position of intron 5 of the ACTC1 gene. To our knowledge, functional studies have not been reported for this variant. This variant has not been reported in individuals affected with ACTC1-related disorders in the literature. This variant has not been identified in the general population by the Genome Aggregation Database (gnomAD). The available evidence is insufficient to determine the role of this variant in disease conclusively. Therefore, this variant is classified as a Variant of Uncertain Significance.

Ambry Genetics
Classification: Uncertain significance for Cardiovascular phenotype. Last evaluated: 2024-01-05. Review status: criteria provided, single submitter. Criteria: Ambry Variant Classification Scheme 2023. Collection method: clinical testing. Allele origin: germline.
Comment: The c.808+4A>G intronic variant results from an A to G substitution 4 nucleotides after coding exon 4 in the ACTC1 gene. This nucleotide position is not well conserved in available vertebrate species. In silico splice site analysis predicts that this alteration will not have any significant effect on splicing. Since supporting evidence is limited at this time, the clinical significance of this alteration remains unclear.